The following is an entry in ClinVar:

ClinVar aggregate classification (germline): Conflicting classifications of pathogenicity. Review status: criteria provided, conflicting classifications (1 of 4 stars). 2 submissions from 2 submitters: Uncertain significance (1); Likely benign (1). Last evaluated 2025-05-14.

Conditions:
Inborn genetic diseases. Identifiers: MedGen C0950123, MeSH D030342.
Ellis-van Creveld syndrome (EVC). Also called: EVC-Related Ellis-van Creveld Syndrome; EVC2-Related Ellis-van Creveld Syndrome; MESOECTODERMAL DYSPLASIA; Chondroectodermal dysplasia. Identifiers: Orphanet 289, MedGen C0013903, MONDO:0009162, OMIM 225500.
Curry-Hall syndrome (WAD). Also called: WEYERS ACRODENTAL DYSOSTOSIS. Identifiers: Orphanet 952, MedGen C0457013, MONDO:0008673, OMIM 193530.

Allele frequency attached by ClinVar (database versions not stated): gnomAD exomes 0.00001.
gnomAD v4.1: 3 of 1,614,244 alleles (0.00019%); highest among the groups gnomAD compares: Non-Finnish European, 0.00025%; no homozygotes.

Submissions (2):

Ambry Genetics
Classification: Likely benign for Inborn genetic diseases. Last evaluated: 2025-05-14. Review status: criteria provided, single submitter. Criteria: Ambry Variant Classification Scheme 2023. Collection method: clinical testing. Allele origin: germline.

Labcorp Genetics (formerly Invitae), Labcorp
Classification: Uncertain significance for Curry-Hall syndrome; Ellis-van Creveld syndrome. Last evaluated: 2024-04-01. Review status: criteria provided, single submitter. Criteria: Invitae Variant Classification Sherloc (09022015). Collection method: clinical testing. Allele origin: germline.
Comment: This sequence change replaces arginine, which is basic and polar, with lysine, which is basic and polar, at codon 221 of the EVC2 protein (p.Arg221Lys). This variant is not present in population databases (gnomAD no frequency). This variant has not been reported in the literature in individuals affected with EVC2-related conditions. ClinVar contains an entry for this variant (Variation ID: 1961371). Algorithms developed to predict the effect of missense changes on protein structure and function output the following: SIFT: "Not Available"; PolyPhen-2: "Benign"; Align-GVGD: "Not Available". The lysine amino acid residue is found in multiple mammalian species, which suggests that this missense change does not adversely affect protein function. In summary, the available evidence is currently insufficient to determine the role of this variant in disease. Therefore, it has been classified as a Variant of Uncertain Significance.

NM_147127.5(EVC2):c.662G>A (p.Arg221Lys)

Gene: EVC2 (EvC ciliary complex subunit 2; minus strand). Cytogenetic location: 4p16.2.
Variant type: single nucleotide variant.
Coding change: c.662G>A on transcript NM_147127.5 (MANE Select); coding-DNA position 662, G replaced by A.
Protein change: p.Arg221Lys; replaces arginine 221 with lysine.
Molecular consequence: missense variant.
Genome position (GRCh38, 1-based): chr4:5,689,201, C>T on the plus strand (G>A on the coding strand, the complement: EVC2 is on the minus strand). VCF-style: chr4-5689201-C-T. GRCh37 (hg19) VCF-style: chr4-5690928-C-T.
Other names: c.422G>A, p.Arg141Lys (NM_001166136.2); c.662G>A (NM_147127.4); short protein forms R221K, R141K.
Identifiers: ClinVar variation 1961371 (VCV001961371.5), dbSNP rs1720934756, ClinGen allele CA356148310.
Genomic context (GRCh38, chr4:5,689,201, plus strand): 5'-AACGCTTTGCTGTTACCTTGCAGAAACTTCTTGCTAAAAGCCTGGAATCCTTCCGAGGTC[C>T]TGTTTCCCACAGAGTCCCAAATGGTGAGACCAGCAATGCTGTCCAGCAAGAGCAGCTCCG-3'
Protein context (NP_667338.3, residues 211-231): GLTIWDSVGN[Arg221Lys]TSEGFQAFSK